The following is an entry in ClinVar:

ClinVar aggregate classification (germline): Uncertain significance (1 of 4 stars; one submission).

Submission:

CeGaT Center for Human Genetics Tuebingen
Classification: Uncertain significance. Last evaluated: 2025-03-01. Review status: criteria provided, single submitter. Criteria: CeGaT Center For Human Genetics Tuebingen Variant Classification Criteria Version 2. Collection method: clinical testing. Allele origin: germline. Affected: yes. Observed: 1 variant allele.
Comment: TRRAP: PM2

NM_001375524.1(TRRAP):c.11599C>T (p.Pro3867Ser)

Gene: TRRAP (transformation/transcription domain associated protein; plus strand). Cytogenetic location: 7q22.1.
Variant type: single nucleotide variant.
Coding change: c.11599C>T on transcript NM_001375524.1 (MANE Select); coding-DNA position 11599, C replaced by T.
Protein change: p.Pro3867Ser; replaces proline 3867 with serine.
Molecular consequence: missense variant.
Genome position (GRCh38, 1-based): chr7:99,012,332, C>T. VCF-style: chr7-99012332-C-T. GRCh37 (hg19) VCF-style: chr7-98609955-C-T.
Other names: c.11557C>T, p.Pro3853Ser (NM_001244580.2); c.11470C>T, p.Pro3824Ser (NM_003496.4); short protein forms P3824S, P3853S, P3867S.
Identifiers: ClinVar variation 3778531 (VCV003778531.7).